The following is an entry in ClinVar:

ClinVar aggregate classification (germline): Likely pathogenic. Review status: criteria provided, multiple submitters, no conflicts (2 of 4 stars). 2 submissions from 2 submitters: Likely pathogenic (2). Last evaluated 2024-10-11.

Conditions:
Cerebroretinal microangiopathy with calcifications and cysts 1 (CRMCC1). Identifiers: Orphanet 313838, MedGen C4552029, MONDO:0024564, OMIM 612199.
Dyskeratosis congenita. Identifiers: Orphanet 1775, MedGen C0265965, MONDO:0015780.

Allele frequency attached by ClinVar (database versions not stated): gnomAD exomes below 0.00001; ExAC 0.00001.

Submissions (2):

Labcorp Genetics (formerly Invitae), Labcorp
Classification: Likely pathogenic for Dyskeratosis congenita. Last evaluated: 2024-10-11. Review status: criteria provided, single submitter. Criteria: Invitae Variant Classification Sherloc (09022015). Collection method: clinical testing. Allele origin: germline.
Comment: This sequence change affects a donor splice site in intron 20 of the CTC1 gene. It is expected to disrupt RNA splicing. Variants that disrupt the donor or acceptor splice site typically lead to a loss of protein function (PMID: 16199547), and loss-of-function variants in CTC1 are known to be pathogenic (PMID: 22267198, 22387016). This variant is present in population databases (rs766644829, gnomAD 0.0009%). This variant has not been reported in the literature in individuals affected with CTC1-related conditions. ClinVar contains an entry for this variant (Variation ID: 1324187). Algorithms developed to predict the effect of sequence changes on RNA splicing suggest that this variant may disrupt the consensus splice site. In summary, the currently available evidence indicates that the variant is pathogenic, but additional data are needed to prove that conclusively. Therefore, this variant has been classified as Likely Pathogenic.

Revvity Omics, Revvity
Classification: Likely pathogenic for Cerebroretinal microangiopathy with calcifications and cysts 1. Last evaluated: 2019-07-18. Review status: criteria provided, single submitter. Criteria: ACMG Guidelines, 2015. Collection method: clinical testing. Allele origin: germline.

Literature cited by the submitters: PubMed 16199547 (cited by Labcorp Genetics (formerly Invitae), Labcorp); PubMed 22267198 (cited by Labcorp Genetics (formerly Invitae), Labcorp); PubMed 22387016 (cited by Labcorp Genetics (formerly Invitae), Labcorp).

NM_025099.6(CTC1):c.3221+1G>A

Gene: CTC1 (CST telomere replication complex component 1; minus strand). Cytogenetic location: 17p13.1.
Variant type: single nucleotide variant.
Coding change: c.3221+1G>A on transcript NM_025099.6 (MANE Select); the canonical splice donor site of the intron after coding-DNA position 3221, G replaced by A.
Molecular consequence: splice donor variant. On other transcripts: intron variant (1).
Genome position (GRCh38, 1-based): chr17:8,229,141, C>T on the plus strand (G>A on the coding strand, the complement: CTC1 is on the minus strand). VCF-style: chr17-8229141-C-T. GRCh37 (hg19) VCF-style: chr17-8132459-C-T.
Other names: c.3156+161G>A (NM_001411067.1).
Identifiers: ClinVar variation 1324187 (VCV001324187.6), dbSNP rs766644829, ClinGen allele CA8371845.
Genomic context (GRCh38, chr17:8,229,141, plus strand): 5'-CAGATAGACAAAGTGGTCTCATAAGTAAATGGCACAATGGGTGCACGCCTTGTGCTCTCA[C>T]CTGATGATGGCCTGGCTTATAGCTGTCTGCGTAGGGCAAGTGGAGCCCAGGCGAGTGCAC-3'